The following is an entry in ClinVar:

NM_000642.3(AGL):c.2699C>G (p.Thr900Ser)

Gene: AGL (amylo-alpha-1,6-glucosidase and 4-alpha-glucanotransferase; plus strand). Cytogenetic location: 1p21.2.
Variant type: single nucleotide variant.
Coding change: c.2699C>G on transcript NM_000642.3 (MANE Select); coding-DNA position 2699, C replaced by G.
Protein change: p.Thr900Ser; replaces threonine 900 with serine.
Molecular consequence: missense variant.
Genome position (GRCh38, 1-based): chr1:99,887,995, C>G. VCF-style: chr1-99887995-C-G. GRCh37 (hg19) VCF-style: chr1-100353551-C-G.
Other names: c.2699C>G, p.Thr900Ser (NM_000028.3, NM_000643.3, NM_000644.3 and 2 more transcripts); c.2651C>G, p.Thr884Ser (NM_000646.3); c.2498C>G, p.Thr833Ser (NM_001425327.1); c.2495C>G, p.Thr832Ser (NM_001425328.1); c.2360C>G, p.Thr787Ser (NM_001425329.1); c.2321C>G, p.Thr774Ser (NM_001425332.1); short protein forms T884S, T900S, T774S, T787S, T832S, T833S.
Identifiers: ClinVar variation 1980353 (VCV001980353.1), dbSNP rs1181461735, ClinGen allele CA341322805.

ClinVar aggregate classification (germline): Uncertain significance (1 of 4 stars; one submission).

Conditions:
Glycogen storage disease type III (GSD3). Also called: Cori disease; FORBES DISEASE. Identifiers: Orphanet 366, MedGen C0017922, MONDO:0009291, OMIM 232400.

Allele frequency attached by ClinVar (database versions not stated): gnomAD exomes below 0.00001; TOPMed 0.00002.
gnomAD v4.1: 2 of 1,613,388 alleles (0.00012%); highest among the groups gnomAD compares: East Asian, 0.0045%; no homozygotes.

Submission:

Labcorp Genetics (formerly Invitae), Labcorp
Classification: Uncertain significance for Glycogen storage disease type III. Last evaluated: 2021-08-31. Review status: criteria provided, single submitter. Criteria: Invitae Variant Classification Sherloc (09022015). Collection method: clinical testing. Allele origin: germline.
Comment: This sequence change replaces threonine with serine at codon 900 of the AGL protein (p.Thr900Ser). The threonine residue is moderately conserved and there is a small physicochemical difference between threonine and serine. This variant is not present in population databases (ExAC no frequency). This variant has not been reported in the literature in individuals affected with AGL-related conditions. Algorithms developed to predict the effect of missense changes on protein structure and function (SIFT, PolyPhen-2, Align-GVGD) all suggest that this variant is likely to be tolerated. In summary, the available evidence is currently insufficient to determine the role of this variant in disease. Therefore, it has been classified as a Variant of Uncertain Significance.